The following is an entry in ClinVar:

NM_024105.4(ALG12):c.868G>A (p.Ala290Thr)

Gene: ALG12 (ALG12 alpha-1,6-mannosyltransferase; minus strand). Cytogenetic location: 22q13.33.
Variant type: single nucleotide variant.
Coding change: c.868G>A on transcript NM_024105.4 (MANE Select); coding-DNA position 868, G replaced by A.
Protein change: p.Ala290Thr; replaces alanine 290 with threonine.
Molecular consequence: missense variant.
Genome position (GRCh38, 1-based): chr22:49,907,845, C>T on the plus strand (G>A on the coding strand, the complement: ALG12 is on the minus strand). VCF-style: chr22-49907845-C-T. GRCh37 (hg19) VCF-style: chr22-50301493-C-T.
Other names: c.868G>A (NM_024105.3); short protein forms A290T.
Identifiers: ClinVar variation 1357860 (VCV001357860.8), dbSNP rs2060551878, ClinGen allele CA412073729.
Genomic context (GRCh38, chr22:49,907,845, plus strand): 5'-GCTCCTTGTGTGGCAGGAGGGAGTAGAGTGCCATGAAGCCCAGTGCCAGCACCGTCGGCG[C>T]GTGCGTCCTTCTGTCTACCAAGCCCAGGGGGATGAAGAGCAGGCTGCAGCCCAGGCCGCG-3'
Protein context (NP_077010.1, residues 280-300): PLGLVDRRTH[Ala290Thr]PTVLALGFMA

ClinVar aggregate classification (germline): Uncertain significance. Review status: criteria provided, multiple submitters, no conflicts (2 of 4 stars). 2 submissions from 2 submitters: Uncertain significance (2). Last evaluated 2022-12-13.

Conditions:
Inborn genetic diseases. Identifiers: MedGen C0950123, MeSH D030342.
ALG12-congenital disorder of glycosylation (CDG1G). Also called: Congenital disorder of glycosylation, type Ig; CDG Ig; ALG12-CDG. Identifiers: Orphanet 79324, MedGen C2931001, MONDO:0011783, OMIM 607143.

Allele frequency attached by ClinVar (database versions not stated): gnomAD 0.00001; gnomAD exomes 0.00001.
gnomAD v4.1: 9 of 1,613,904 alleles (0.00056%); highest among the groups gnomAD compares: East Asian, 0.0022%; no homozygotes.

Submissions (2):

Ambry Genetics
Classification: Uncertain significance for Inborn genetic diseases. Last evaluated: 2022-12-13. Review status: criteria provided, single submitter. Criteria: Ambry Variant Classification Scheme 2023. Collection method: clinical testing. Allele origin: germline.

Labcorp Genetics (formerly Invitae), Labcorp
Classification: Uncertain significance for ALG12-congenital disorder of glycosylation. Last evaluated: 2021-04-08. Review status: criteria provided, single submitter. Criteria: Invitae Variant Classification Sherloc (09022015). Collection method: clinical testing. Allele origin: germline.
Comment: Algorithms developed to predict the effect of missense changes on protein structure and function (SIFT, PolyPhen-2, Align-GVGD) all suggest that this variant is likely to be tolerated, but these predictions have not been confirmed by published functional studies and their clinical significance is uncertain. In summary, the available evidence is currently insufficient to determine the role of this variant in disease. Therefore, it has been classified as a Variant of Uncertain Significance. This sequence change replaces alanine with threonine at codon 290 of the ALG12 protein (p.Ala290Thr). The alanine residue is moderately conserved and there is a small physicochemical difference between alanine and threonine. This variant is not present in population databases (ExAC no frequency). This variant has not been reported in the literature in individuals with ALG12-related conditions.